The following is an entry in ClinVar:

ClinVar aggregate classification (germline): Conflicting classifications of pathogenicity. Review status: criteria provided, conflicting classifications (1 of 4 stars). 6 submissions from 6 submitters: Pathogenic (1); Likely pathogenic (2); Uncertain significance (2). 1 of the submissions does not count toward it. Last evaluated 2026-03-05.

Conditions:
Malignant hyperthermia, susceptibility to, 5 (MHS5). Also called: CACNA1S-Related Malignant Hyperthermia Susceptibility. Identifiers: Orphanet 423, MedGen C1866077, MONDO:0011163, OMIM 601887.
Hypokalemic periodic paralysis, type 1. Also called: HypoPP; Hypokalemic Periodic Paralysis Type 1 (AD). Identifiers: Orphanet 681, MedGen C3714580, MONDO:0042979, OMIM 170400.
CACNA1S-related disorder. Also called: CACNA1S-related condition.
Congenital myopathy 18. Also called: DIHYDROPYRIDINE RECEPTOR CONGENITAL MYOPATHY; DHPR CONGENITAL MYOPATHY; Myopathy, congenital, due to dihydropyridine receptor defect. Identifiers: MedGen C5830283, MONDO:0859514, OMIM 620246.
Thyrotoxic periodic paralysis, susceptibility to, 1 (TTPP1). Identifiers: Orphanet 79102, MedGen C2749982, MONDO:0008570, OMIM 188580.

Allele frequency attached by ClinVar (database versions not stated): gnomAD 0.00001; gnomAD exomes 0.00001; TOPMed 0.00001.
gnomAD v4.1: 4 of 1,614,066 alleles (0.00025%); highest among the groups gnomAD compares: Admixed American, 0.0033%; no homozygotes.

Submissions (6):

GeneDx
Classification: Likely pathogenic. Last evaluated: 2026-03-05. Review status: criteria provided, single submitter. Criteria: GeneDx Variant Classification Process June 2021. Collection method: clinical testing. Allele origin: germline. Affected: yes.
Comment: Has not been previously reported in peer-reviewed literature as pathogenic or benign to our knowledge. However, in an abstract by Al-Kharsan and Cardon, this variant was reported apparently homozygous in four patients from three families with severe congenital weakness (Al-Kharsan M and Cardon M. (2024) Neurology. 102 (7 supplement 1)).; In silico analysis is inconclusive as to whether the variant alters gene splicing. In the absence of RNA/functional studies, the actual effect of this sequence change is unknown.; This variant is associated with the following publications: (PMID: Al-Kharsan_2024_Abstract)

Labcorp Genetics (formerly Invitae), Labcorp
Classification: Pathogenic for Hypokalemic periodic paralysis, type 1; Malignant hyperthermia, susceptibility to, 5. Last evaluated: 2025-10-15. Review status: criteria provided, single submitter. Criteria: Invitae Variant Classification Sherloc (09022015). Collection method: clinical testing. Allele origin: germline.
Comment: This sequence change falls in intron 26 of the CACNA1S gene. It does not directly change the encoded amino acid sequence of the CACNA1S protein. It affects a nucleotide within the consensus splice site. This variant is present in population databases (no rsID available, gnomAD 0.003%). This variant has been observed in individuals with clinical features of autosomal recessive congenital myopathy (internal data). It has also been observed to segregate with disease in related individuals. ClinVar contains an entry for this variant (Variation ID: 381082). Variants that disrupt the consensus splice site are a relatively common cause of aberrant splicing (PMID: 17576681, 9536098). Algorithms developed to predict the effect of sequence changes on RNA splicing suggest that this variant may disrupt the consensus splice site. For these reasons, this variant has been classified as Pathogenic.

All of Us Research Program, National Institutes of Health
Classification: Uncertain significance for Malignant hyperthermia, susceptibility to, 5. Last evaluated: 2024-08-06. Review status: criteria provided, single submitter. Criteria: ACMG Guidelines, 2015. Collection method: clinical testing. Allele origin: germline. Inheritance: Autosomal dominant inheritance. Observed: 7 variant alleles, 7 heterozygotes.
Comment: This variant causes an A to T nucleotide substitution at the +3 position of intron 26 of the CACNA1S gene. To our knowledge, functional studies have not been reported for this variant. This variant has not been reported in individuals affected with autosomal dominant malignant hyperthermia in the literature, although it is associated with other phenotype(s) (ClinVar variation ID: 381082). This variant has been identified in 3/282872 chromosomes in the general population by the Genome Aggregation Database (gnomAD). Due to insufficient evidence, this variant is classified as a Variant of Uncertain Significance for autosomal dominant malignant hyperthermia.

This study involves interpretation of variants in research participants for the purpose of population health screening. Participant phenotype was not available at the time of variant classification. Additional details can be found in publication PMID: 35346344, PMCID: PMC8962531

Fulgent Genetics
Classification: Likely pathogenic for Hypokalemic periodic paralysis, type 1; Thyrotoxic periodic paralysis, susceptibility to, 1; Malignant hyperthermia, susceptibility to, 5; Congenital myopathy 18. Last evaluated: 2024-06-03. Review status: criteria provided, single submitter. Criteria: ACMG Guidelines, 2015. Collection method: clinical testing. Allele origin: germline.

Color Diagnostics, LLC DBA Color Health
Classification: Uncertain significance for Malignant hyperthermia, susceptibility to, 5. Last evaluated: 2023-11-30. Review status: criteria provided, single submitter. Criteria: ACMG Guidelines, 2015. Collection method: clinical testing. Allele origin: germline.
Comment: This variant causes an A to T nucleotide substitution at the +3 position of intron 26 of the CACNA1S gene. To our knowledge, functional studies have not been reported for this variant. This variant has not been reported in individuals affected with autosomal dominant malignant hyperthermia in the literature, although it is associated with other phenotype(s) (ClinVar variation ID: 381082). This variant has been identified in 3/282872 chromosomes in the general population by the Genome Aggregation Database (gnomAD). Due to insufficient evidence, this variant is classified as a Variant of Uncertain Significance for autosomal dominant malignant hyperthermia.

PreventionGenetics, part of Exact Sciences
Classification: Uncertain significance for CACNA1S-related condition. Last evaluated: 2024-05-26. Review status: no assertion criteria provided. Collection method: clinical testing. Allele origin: germline. Not counted in ClinVar's aggregate classification.
Comment: The CACNA1S c.3414+3A>T variant is predicted to interfere with splicing. To our knowledge, this variant has not been reported in the literature. This variant is reported in 0.0056% of alleles in individuals of Latino descent in gnomAD. At this time, the clinical significance of this variant is uncertain due to the absence of conclusive functional and genetic evidence.

Literature cited by the submitters: PubMed 17576681 (cited by Labcorp Genetics (formerly Invitae), Labcorp); PubMed 9536098 (cited by Labcorp Genetics (formerly Invitae), Labcorp).

NM_000069.3(CACNA1S):c.3414+3A>T

Gene: CACNA1S (calcium voltage-gated channel subunit alpha1 S; minus strand). Cytogenetic location: 1q32.1.
Variant type: single nucleotide variant.
Coding change: c.3414+3A>T on transcript NM_000069.3 (MANE Select); 3 bases into the intron after coding-DNA position 3414, A replaced by T.
Molecular consequence: intron variant.
Genome position (GRCh38, 1-based): chr1:201,060,655, T>A on the plus strand (A>T on the coding strand, the complement: CACNA1S is on the minus strand). VCF-style: chr1-201060655-T-A. GRCh37 (hg19) VCF-style: chr1-201029783-T-A.
Identifiers: ClinVar variation 381082 (VCV000381082.21), dbSNP rs892742196, ClinGen allele CA16603474.